The following is an entry in ClinVar:

NM_006767.4(LZTR1):c.1704G>C (p.Gln568His)

Gene: LZTR1 (leucine zipper like post translational regulator 1; plus strand). Cytogenetic location: 22q11.21.
Variant type: single nucleotide variant.
Coding change: c.1704G>C on transcript NM_006767.4 (MANE Select); coding-DNA position 1704, G replaced by C.
Protein change: p.Gln568His; replaces glutamine 568 with histidine.
Molecular consequence: missense variant.
Genome position (GRCh38, 1-based): chr22:20,994,646, G>C. VCF-style: chr22-20994646-G-C. GRCh37 (hg19) VCF-style: chr22-21348935-G-C.
Other names: short protein forms Q568H.
Identifiers: ClinVar variation 4699564 (VCV004699564.1).

ClinVar aggregate classification (germline): Uncertain significance (1 of 4 stars; one submission).

Submission:

Labcorp Genetics (formerly Invitae), Labcorp
Classification: Uncertain significance. Last evaluated: 2025-08-26. Review status: criteria provided, single submitter. Criteria: Invitae Variant Classification Sherloc (09022015). Collection method: clinical testing. Allele origin: germline.
Comment: This sequence change replaces glutamine, which is neutral and polar, with histidine, which is basic and polar, at codon 568 of the LZTR1 protein (p.Gln568His). This variant is not present in population databases (gnomAD no frequency). This variant has not been reported in the literature in individuals affected with LZTR1-related conditions. Invitae Evidence Modeling of protein sequence and biophysical properties (such as structural, functional, and spatial information, amino acid conservation, physicochemical variation, residue mobility, and thermodynamic stability) indicates that this missense variant is not expected to disrupt LZTR1 protein function with a negative predictive value of 80%. In summary, the available evidence is currently insufficient to determine the role of this variant in disease. Therefore, it has been classified as a Variant of Uncertain Significance.